The following is an entry in ClinVar:

NM_001042492.3(NF1):c.2752A>G (p.Lys918Glu)

Gene: NF1 (neurofibromin 1; plus strand). Cytogenetic location: 17q11.2.
Variant type: single nucleotide variant.
Coding change: c.2752A>G on transcript NM_001042492.3 (MANE Select); coding-DNA position 2752, A replaced by G.
Protein change: p.Lys918Glu; replaces lysine 918 with glutamic acid.
Molecular consequence: missense variant.
Genome position (GRCh38, 1-based): chr17:31,229,367, A>G. VCF-style: chr17-31229367-A-G. GRCh37 (hg19) VCF-style: chr17-29556385-A-G.
Other names: c.2752A>G, p.Lys918Glu (NM_000267.4); short protein forms K918E.
Identifiers: ClinVar variation 2078579 (VCV002078579.4), dbSNP rs2151429583, ClinGen allele CA398985366.
Genomic context (GRCh38, chr17:31,229,367, plus strand): 5'-CTGTTGTCCTTAATGGTGTGTAACCATGAGAAAGTGGGACTTCAAATACGGACCAATGTT[A>G]AGGATCTGGTGGGTCTAGAATTGAGTCCTGCTCTGTATCCAATGCTATTTAACAAATTGA-3'
Protein context (NP_001035957.1, residues 908-928): KVGLQIRTNV[Lys918Glu]DLVGLELSPA

ClinVar aggregate classification (germline): Uncertain significance (1 of 4 stars; one submission).

Conditions:
Neurofibromatosis, type 1 (NF1). Also called: Neurofibromatosis, type I; VON RECKLINGHAUSEN DISEASE; NEUROFIBROMATOSIS, TYPE I, SOMATIC; Peripheral type neurofibromatosis. Identifiers: Orphanet 636, MedGen C0027831, MONDO:0018975, OMIM 162200. Disease mechanism: loss of function.

Submission:

Labcorp Genetics (formerly Invitae), Labcorp
Classification: Uncertain significance for Neurofibromatosis, type 1. Last evaluated: 2025-01-23. Review status: criteria provided, single submitter. Criteria: Invitae Variant Classification Sherloc (09022015). Collection method: clinical testing. Allele origin: germline.
Comment: This sequence change replaces lysine, which is basic and polar, with glutamic acid, which is acidic and polar, at codon 918 of the NF1 protein (p.Lys918Glu). This variant is not present in population databases (gnomAD no frequency). This variant has not been reported in the literature in individuals affected with NF1-related conditions. ClinVar contains an entry for this variant (Variation ID: 2078579). Invitae Evidence Modeling of protein sequence and biophysical properties (such as structural, functional, and spatial information, amino acid conservation, physicochemical variation, residue mobility, and thermodynamic stability) indicates that this missense variant is expected to disrupt NF1 protein function with a positive predictive value of 95%. In summary, the available evidence is currently insufficient to determine the role of this variant in disease. Therefore, it has been classified as a Variant of Uncertain Significance.